The following is an entry in ClinVar:

ClinVar aggregate classification (germline): Uncertain significance (1 of 4 stars; one submission).

Conditions:
Inborn genetic diseases. Identifiers: MedGen C0950123, MeSH D030342.

gnomAD v4.1: 1 of 1,614,150 alleles (0.000062%); highest among the groups gnomAD compares: South Asian, 0.0011%; no homozygotes.

Submission:

Ambry Genetics
Classification: Uncertain significance for Inborn genetic diseases. Last evaluated: 2025-05-31. Review status: criteria provided, single submitter. Criteria: Ambry Variant Classification Scheme 2023. Collection method: clinical testing. Allele origin: germline.
Comment: The p.A401T variant (also known as c.1201G>A), located in coding exon 11 of the DDX41 gene, results from a G to A substitution at nucleotide position 1201. The alanine at codon 401 is replaced by threonine, an amino acid with similar properties. This amino acid position is conserved. In addition, this alteration is predicted to be tolerated by in silico analysis. Based on the available evidence, the clinical significance of this variant remains unclear.

NM_016222.4(DDX41):c.1201G>A (p.Ala401Thr)

Gene: DDX41 (DEAD-box helicase 41; minus strand). Cytogenetic location: 5q35.3.
Variant type: single nucleotide variant.
Coding change: c.1201G>A on transcript NM_016222.4 (MANE Select); coding-DNA position 1201, G replaced by A.
Protein change: p.Ala401Thr; replaces alanine 401 with threonine.
Molecular consequence: missense variant.
Genome position (GRCh38, 1-based): chr5:177,513,382, C>T on the plus strand (G>A on the coding strand, the complement: DDX41 is on the minus strand). VCF-style: chr5-177513382-C-T. GRCh37 (hg19) VCF-style: chr5-176940383-C-T.
Other names: c.823G>A, p.Ala275Thr (NM_001321732.2, NM_001321830.2); short protein forms A275T, A401T.
Identifiers: ClinVar variation 4010373 (VCV004010373.1).
Genomic context (GRCh38, chr5:177,513,382, plus strand): 5'-GAGAGACCGCCCATCAGGAGCACCTGCCCACCTGGATGACATCCAGGCTGGCAGCCCCAG[C>T]GCGCCCCACATTGATGGTCACAGGCTTTACAAGGGCACTCTTAGCAAAGTTCTGAATCTT-3'
Protein context (NP_057306.2, residues 391-411): VKPVTINVGR[Ala401Thr]GAASLDVIQE